The following is an entry in ClinVar:

NM_000051.4(ATM):c.4232G>C (p.Ser1411Thr)

Gene: ATM (ATM serine/threonine kinase; plus strand). Cytogenetic location: 11q22.3.
Variant type: single nucleotide variant.
Coding change: c.4232G>C on transcript NM_000051.4 (MANE Select); coding-DNA position 4232, G replaced by C.
Protein change: p.Ser1411Thr; replaces serine 1411 with threonine.
Molecular consequence: missense variant.
Genome position (GRCh38, 1-based): chr11:108,289,099, G>C. VCF-style: chr11-108289099-G-C. GRCh37 (hg19) VCF-style: chr11-108159826-G-C.
Other names: c.4232G>C, p.Ser1411Thr (NM_001351834.2); short protein forms S1411T.
Identifiers: ClinVar variation 1395677 (VCV001395677.6), dbSNP rs2135753735, ClinGen allele CA382530693.

ClinVar aggregate classification (germline): Uncertain significance (1 of 4 stars; one submission).

Conditions:
Ataxia-telangiectasia syndrome (AT). Also called: Ataxia-telangiectasia, complementation group D; Ataxia telangiectasia (A-T); Cerebello-oculocutaneous telangiectasia; Immunodeficiency with ataxia telangiectasia; ATAXIA-TELANGIECTASIA, COMPLEMENTATION GROUP A; ATAXIA-TELANGIECTASIA, FRESNO VARIANT. Identifiers: Orphanet 100, MedGen C0004135, MONDO:0008840, OMIM 208900.

Submission:

Labcorp Genetics (formerly Invitae), Labcorp
Classification: Uncertain significance for Ataxia-telangiectasia syndrome. Last evaluated: 2025-07-31. Review status: criteria provided, single submitter. Criteria: Invitae Variant Classification Sherloc (09022015). Collection method: clinical testing. Allele origin: germline.
Comment: This sequence change replaces serine, which is neutral and polar, with threonine, which is neutral and polar, at codon 1411 of the ATM protein (p.Ser1411Thr). This variant is not present in population databases (gnomAD no frequency). This variant has not been reported in the literature in individuals affected with ATM-related conditions. ClinVar contains an entry for this variant (Variation ID: 1395677). Invitae Evidence Modeling of protein sequence and biophysical properties (such as structural, functional, and spatial information, amino acid conservation, physicochemical variation, residue mobility, and thermodynamic stability) indicates that this missense variant is not expected to disrupt ATM protein function with a negative predictive value of 95%. In summary, the available evidence is currently insufficient to determine the role of this variant in disease. Therefore, it has been classified as a Variant of Uncertain Significance.